The following is an entry in ClinVar:

ClinVar aggregate classification (germline): Uncertain significance (1 of 4 stars; one submission).

gnomAD v4.1: 1 of 895,176 alleles (0.00011%); highest among the groups gnomAD compares: Non-Finnish European, 0.00014%; no homozygotes.

Submission:

Labcorp Genetics (formerly Invitae), Labcorp
Classification: Uncertain significance. Last evaluated: 2024-06-17. Review status: criteria provided, single submitter. Criteria: Invitae Variant Classification Sherloc (09022015). Collection method: clinical testing. Allele origin: germline.
Comment: This sequence change replaces alanine, which is neutral and non-polar, with valine, which is neutral and non-polar, at codon 2 of the PPP1R3F protein (p.Ala2Val). The frequency data for this variant in the population databases is considered unreliable, as metrics indicate insufficient coverage at this position in the gnomAD database. This variant has not been reported in the literature in individuals affected with PPP1R3F-related conditions. An algorithm developed to predict the effect of missense changes on protein structure and function (PolyPhen-2) suggests that this variant is likely to be disruptive. In summary, the available evidence is currently insufficient to determine the role of this variant in disease. Therefore, it has been classified as a Variant of Uncertain Significance.

NM_033215.5(PPP1R3F):c.5C>T (p.Ala2Val)

Genes: PPP1R3F (protein phosphatase 1 regulatory subunit 3F; plus strand), LOC130068282 (ATAC-STARR-seq lymphoblastoid silent region 20845; plus strand). Cytogenetic location: Xp11.23.
Variant type: single nucleotide variant.
Coding change: c.5C>T on transcript NM_033215.5 (MANE Select); coding-DNA position 5, C replaced by T.
Protein change: p.Ala2Val; replaces alanine 2 with valine.
Molecular consequence: missense variant. On other transcripts: 5 prime UTR variant (1).
Genome position (GRCh38, 1-based): chrX:49,269,874, C>T. VCF-style: chrX-49269874-C-T. GRCh37 (hg19) VCF-style: chrX-49126337-C-T.
Other names: c.-91C>T (NM_001184745.2); short protein forms A2V.
Identifiers: ClinVar variation 3691028 (VCV003691028.2).